The following is an entry in ClinVar:

NM_004473.4(FOXE1):c.877G>C (p.Gly293Arg)

Gene: FOXE1 (forkhead box E1; plus strand). Cytogenetic location: 9q22.33.
Variant type: single nucleotide variant.
Coding change: c.877G>C on transcript NM_004473.4 (MANE Select); coding-DNA position 877, G replaced by C.
Protein change: p.Gly293Arg; replaces glycine 293 with arginine.
Molecular consequence: missense variant.
Genome position (GRCh38, 1-based): chr9:97,854,791, G>C. VCF-style: chr9-97854791-G-C. GRCh37 (hg19) VCF-style: chr9-100617073-G-C.
Other names: short protein forms G293R.
Identifiers: ClinVar variation 4689468 (VCV004689468.1).

ClinVar aggregate classification (germline): Uncertain significance (1 of 4 stars; one submission).

Submission:

Women's Health and Genetics/Laboratory Corporation of America, LabCorp
Classification: Uncertain significance. Last evaluated: 2026-01-12. Review status: criteria provided, single submitter. Criteria: LabCorp Variant Classification Summary - May 2015. Collection method: clinical testing. Allele origin: germline.
Comment: Variant summary: FOXE1 c.877G>C (p.Gly293Arg) results in a non-conservative amino acid change in the encoded protein sequence. Algorithms developed to predict the effect of missense changes on protein structure and function are either unavailable or do not agree on the potential impact of this missense change. The variant allele was found at a frequency of 8e-06 in 124242 control chromosomes. The available data on variant occurrences in the general population are insufficient to allow any conclusion about variant significance. To our knowledge, no occurrence of c.877G>C in individuals affected with FOXE1-related conditions and no experimental evidence demonstrating its impact on protein function have been reported. No submitters have cited clinical-significance assessments for this variant to ClinVar. Based on the evidence outlined above, the variant was classified as uncertain significance.